The following is an entry in ClinVar:

NM_004473.4(FOXE1):c.1044G>A (p.Gly348=)

Gene: FOXE1 (forkhead box E1; plus strand). Cytogenetic location: 9q22.33.
Variant type: single nucleotide variant.
Coding change: c.1044G>A on transcript NM_004473.4 (MANE Select); coding-DNA position 1044, G replaced by A.
Protein change: p.Gly348=; no amino-acid change (glycine 348 retained).
Molecular consequence: synonymous variant.
Genome position (GRCh38, 1-based): chr9:97,854,958, G>A. VCF-style: chr9-97854958-G-A. GRCh37 (hg19) VCF-style: chr9-100617240-G-A.
Identifiers: ClinVar variation 4998171 (VCV004998171.1).
Genomic context (GRCh38, chr9:97,854,958, plus strand): 5'-GTCGCCCGGCCAGTTCGGAGCGCTGGGAGCCTGCTACAACCCTGGCGGGCAGCTCGGAGG[G>A]GCCAGTGCAGGCGCCTACCATGCTCGCCATGCTGCCGCTTATCCCGGTGGGATAGATCGG-3'
Protein context (NP_004464.2, residues 338-358): ACYNPGGQLG[Gly348=]ASAGAYHARH

ClinVar aggregate classification (germline): Likely benign (1 of 4 stars; one submission).

Conditions:
FOXE1-related disorder. Also called: FOXE1-related condition.

gnomAD v4.1: 2 of 1,603,852 alleles (0.00012%); highest among the groups gnomAD compares: Admixed American, 0.0017%; no homozygotes.

Submission:

PreventionGenetics, part of Exact Sciences
Classification: Likely benign for FOXE1-related condition. Last evaluated: 2025-08-31. Review status: criteria provided, single submitter. Criteria: ACMG Guidelines, 2015. Collection method: clinical testing. Allele origin: germline.
Comment: This variant is classified as likely benign based on ACMG/AMP sequence variant interpretation guidelines (Richards et al. 2015 PMID: 25741868, with internal and published modifications).